The following is an entry in ClinVar:

NM_001845.6(COL4A1):c.2705C>T (p.Pro902Leu)

Gene: COL4A1 (collagen type IV alpha 1 chain; minus strand). Cytogenetic location: 13q34.
Variant type: single nucleotide variant.
Coding change: c.2705C>T on transcript NM_001845.6 (MANE Select); coding-DNA position 2705, C replaced by T.
Protein change: p.Pro902Leu; replaces proline 902 with leucine.
Molecular consequence: missense variant.
Genome position (GRCh38, 1-based): chr13:110,177,853, G>A on the plus strand (C>T on the coding strand, the complement: COL4A1 is on the minus strand). VCF-style: chr13-110177853-G-A. GRCh37 (hg19) VCF-style: chr13-110830200-G-A.
Other names: c.2705C>T (NM_001845.4); short protein forms P902L.
Identifiers: ClinVar variation 1370351 (VCV001370351.12), dbSNP rs146134172, ClinGen allele CA388667396.

ClinVar aggregate classification (germline): Uncertain significance. Review status: criteria provided, multiple submitters, no conflicts (2 of 4 stars). 5 submissions from 5 submitters: Uncertain significance (5). Last evaluated 2026-07-10.

Conditions:
Autosomal dominant familial hematuria-retinal arteriolar tortuosity-contractures syndrome. Also called: Angiopathy, hereditary, with nephropathy, aneurysms, and muscle cramps; Hereditary Angiopathy with Nephropathy, Aneurysms, and Muscle Cramps (HANAC) Syndrome. Identifiers: Orphanet 73229, MedGen C2673195, MONDO:0012726, OMIM 611773.
Hemorrhage, intracerebral, susceptibility to (ICH). Also called: Stroke, hemorrhagic, susceptibility to. Identifiers: MedGen C3281105, MONDO:0100533, OMIM 614519.
Microangiopathy and leukoencephalopathy, pontine, autosomal dominant. Also called: Pontine autosomal dominant microangiopathy with leukoencephalopathy; DEMENTIA, HEREDITARY MULTI-INFARCT, SWEDISH TYPE. Identifiers: Orphanet 477749, MedGen C5231411, MONDO:0032814, OMIM 618564.
Retinal arterial tortuosity. Also called: RETINAL HEMORRHAGE WITH VASCULAR TORTUOSITY; Retinal arteries, tortuosity of. Identifiers: Orphanet 75326, MedGen C0423401, MONDO:0008373, OMIM 180000, HP:0000631.
Brain small vessel disease 1 with or without ocular anomalies (BSVD1). Also called: PORENCEPHALY, TYPE 1, AUTOSOMAL DOMINANT; BRAIN SMALL VESSEL DISEASE WITH HEMORRHAGE; GOULD SYNDROME 1; Brain small vessel disease with or without ocular anomalies. Identifiers: Orphanet 2940, Orphanet 36383, Orphanet 99810, MedGen C4755307, MONDO:0008289, OMIM 175780.
Inborn genetic diseases. Identifiers: MedGen C0950123, MeSH D030342.

Submissions (5):

Ambry Genetics
Classification: Uncertain significance for Inborn genetic diseases. Last evaluated: 2026-07-10. Review status: criteria provided, single submitter. Criteria: Ambry Variant Classification Scheme 2023. Collection method: clinical testing. Allele origin: germline.
Comment: The c.2705C>T (p.P902L) alteration is located in exon 33 (coding exon 33) of the COL4A1 gene. This alteration results from a C to T substitution at nucleotide position 2705, causing the proline (P) at amino acid position 902 to be replaced by a leucine (L). Based on data from gnomAD, the T allele has an overall frequency of 0.001% (4/282712) total alleles studied. The highest observed frequency was 0.014% (1/7226) of Other alleles. Based on insufficient or conflicting evidence, the clinical significance of this alteration remains unclear.

Labcorp Genetics (formerly Invitae), Labcorp
Classification: Uncertain significance. Last evaluated: 2025-09-10. Review status: criteria provided, single submitter. Criteria: Invitae Variant Classification Sherloc (09022015). Collection method: clinical testing. Allele origin: germline.
Comment: This sequence change replaces proline, which is neutral and non-polar, with leucine, which is neutral and non-polar, at codon 902 of the COL4A1 protein (p.Pro902Leu). This variant is present in population databases (no rsID available, gnomAD 0.002%). This variant has not been reported in the literature in individuals affected with COL4A1-related conditions. ClinVar contains an entry for this variant (Variation ID: 1370351). Invitae Evidence Modeling of protein sequence and biophysical properties (such as structural, functional, and spatial information, amino acid conservation, physicochemical variation, residue mobility, and thermodynamic stability) indicates that this missense variant is not expected to disrupt COL4A1 protein function with a negative predictive value of 95%. In summary, the available evidence is currently insufficient to determine the role of this variant in disease. Therefore, it has been classified as a Variant of Uncertain Significance.

Fulgent Genetics
Classification: Uncertain significance for Brain small vessel disease 1 with or without ocular anomalies; Retinal arterial tortuosity; Autosomal dominant familial hematuria-retinal arteriolar tortuosity-contractures syndrome; Hemorrhage, intracerebral, susceptibility to; Microangiopathy and leukoencephalopathy, pontine, autosomal dominant. Last evaluated: 2024-03-09. Review status: criteria provided, single submitter. Criteria: ACMG Guidelines, 2015. Collection method: clinical testing. Allele origin: germline.

Women's Health and Genetics/Laboratory Corporation of America, LabCorp
Classification: Uncertain significance. Last evaluated: 2024-01-04. Review status: criteria provided, single submitter. Criteria: LabCorp Variant Classification Summary - May 2015. Collection method: clinical testing. Allele origin: germline.
Comment: Variant summary: COL4A1 c.2705C>T (p.Pro902Leu) results in a non-conservative amino acid change in the encoded protein sequence. Five of five in-silico tools predict a damaging effect of the variant on protein function. The variant allele was found at a frequency of 8e-06 in 251384 control chromosomes (gnomAD). The available data on variant occurrences in the general population are insufficient to allow any conclusion about variant significance. These reports do not provide unequivocal conclusions about association of the variant with Porencephaly 1. To our knowledge, no experimental evidence demonstrating an impact on protein function has been reported. The following publications have been ascertained in the context of this evaluation (PMID: 31069529, 35711275). Three submitters have cited clinical-significance assessments for this variant to ClinVar after 2014. All submitters classified the variant as uncertain significance. Based on the evidence outlined above, the variant was classified as uncertain significance.

GeneDx
Classification: Uncertain significance. Last evaluated: 2023-06-09. Review status: criteria provided, single submitter. Criteria: GeneDx Variant Classification Process June 2021. Collection method: clinical testing. Allele origin: germline. Affected: yes.
Comment: Occurs in the triple helical domain at the Y position in the canonical Gly-X-Y repeat; although this variant may have an effect on normal protein folding and function, missense substitution at the Y position is not a common mechanism of disease; In silico analysis supports that this missense variant has a deleterious effect on protein structure/function; This variant is associated with the following publications: (PMID: 31069529, 35711275)

Literature cited by the submitters: PubMed 31069529 (cited by Women's Health and Genetics/Laboratory Corporation of America, LabCorp); PubMed 35711275 (cited by Women's Health and Genetics/Laboratory Corporation of America, LabCorp).